The following is an entry in ClinVar:

NM_001351132.2(PEX5):c.967G>C (p.Gly323Arg)

Gene: PEX5 (peroxisomal biogenesis factor 5; plus strand). Cytogenetic location: 12p13.31.
Variant type: single nucleotide variant.
Coding change: c.967G>C on transcript NM_001351132.2 (MANE Select); coding-DNA position 967, G replaced by C.
Protein change: p.Gly323Arg; replaces glycine 323 with arginine.
Molecular consequence: missense variant. On other transcripts: intron variant (1).
Genome position (GRCh38, 1-based): chr12:7,207,659, G>C. VCF-style: chr12-7207659-G-C. GRCh37 (hg19) VCF-style: chr12-7360255-G-C.
Other names: c.943G>C, p.Gly315Arg (NM_000319.5); c.1012G>C, p.Gly338Arg (NM_001131023.2); c.856G>C, p.Gly286Arg (NM_001131024.2, NM_001351124.3, NM_001351126.2 and 7 more transcripts); c.967G>C, p.Gly323Arg (NM_001131025.2, NM_001131026.2, NM_001300789.3 and 4 more transcripts); c.901G>C, p.Gly301Arg (NM_001351135.3, NM_001351138.2); c.832G>C, p.Gly278Arg (NM_001351139.2, NM_001351140.2, NM_001374649.2); c.967-9G>C (NM_001351136.2); short protein forms G278R, G286R, G323R, G315R, G301R, G338R.
Identifiers: ClinVar variation 2095520 (VCV002095520.4), dbSNP rs2540242837, ClinGen allele CA383729678.
Genomic context (GRCh38, chr12:7,207,659, plus strand): 5'-CATCCCTGCTGTTCTGACGGTGCCACCTCTCAGTCCATCTCTCACGTGCTTTTCTTGTAG[G>C]GGTACCAGTTTGAGGAGGAGAACCCCTTGCGTGATCACCCTCAGCCTTTTGAAGAAGGGC-3'
Protein context (NP_001338061.1, residues 313-333): DDLTSATYDK[Gly323Arg]YQFEEENPLR

ClinVar aggregate classification (germline): Uncertain significance (1 of 4 stars; one submission).

Conditions:
Peroxisome biogenesis disorder 2B (PBD2B). Identifiers: Orphanet 44, MedGen C3550234, MONDO:0008736, OMIM 202370.

Submission:

Labcorp Genetics (formerly Invitae), Labcorp
Classification: Uncertain significance for Peroxisome biogenesis disorder 2B. Last evaluated: 2022-02-09. Review status: criteria provided, single submitter. Criteria: Invitae Variant Classification Sherloc (09022015). Collection method: clinical testing. Allele origin: germline.
Comment: Algorithms developed to predict the effect of missense changes on protein structure and function are either unavailable or do not agree on the potential impact of this missense change (SIFT: "Tolerated"; PolyPhen-2: "Possibly Damaging"; Align-GVGD: "Class C0"). This variant has not been reported in the literature in individuals affected with PEX5-related conditions. This variant is not present in population databases (gnomAD no frequency). This sequence change replaces glycine, which is neutral and non-polar, with arginine, which is basic and polar, at codon 323 of the PEX5 protein (p.Gly323Arg). In summary, the available evidence is currently insufficient to determine the role of this variant in disease. Therefore, it has been classified as a Variant of Uncertain Significance.